The following is an entry in ClinVar:

ClinVar aggregate classification (germline): Pathogenic (1 of 4 stars; one submission).

Submission:

Dasa
Classification: Pathogenic. Last evaluated: 2025-03-26. Review status: criteria provided, single submitter. Criteria: DASA Assertion Criteria. Collection method: clinical testing. Allele origin: germline.
Comment: NM_014780.5(CUL7):c.2439del (p.Gln813Hisfs*23) introduces a premature termination codon predicted to result in loss of normal protein function. Loss-of-function is an established mechanism of disease for this gene. This variant has been observed in affected individuals with related phenotype in a genotype context consistent with recessive disease. The variant is present at low frequency in population datasets. Based on the available data, this variant is classified as pathogenic.

NM_014780.5(CUL7):c.2439del (p.Gln813fs)

Gene: CUL7 (cullin 7; minus strand). Cytogenetic location: 6p21.1.
Variant type: Deletion.
Coding change: c.2439del on transcript NM_014780.5 (MANE Select); coding-DNA position 2439, one base deleted (A; older notation c.2439delA).
Protein change: p.Gln813fs; shifts the reading frame from glutamine 813.
Molecular consequence: frameshift variant.
Genome position (GRCh38, 1-based): chr6:43,046,560, T deleted on the plus strand (A on the coding strand, the reverse complement: CUL7 is on the minus strand); the first of 2 consecutive T bases (chr6:43,046,560-43,046,561); deleting either gives the same sequence. VCF-style (leftmost placement, unchanged base first): chr6-43046559-GT-G. GRCh37 (hg19) VCF-style: chr6-43014297-GT-G.
Other names: c.2535del, p.Gln845fs (NM_001168370.2, NM_001374872.1); c.2439del, p.Gln813fs (NM_001374873.1, NM_001374874.1); short protein forms Q813fs, Q845fs.
Identifiers: ClinVar variation 4851998 (VCV004851998.1).